The following is an entry in ClinVar:

NM_000760.4(CSF3R):c.2041-89C>T

Gene: CSF3R (colony stimulating factor 3 receptor; minus strand). Cytogenetic location: 1p34.3.
Variant type: single nucleotide variant.
Coding change: c.2041-89C>T on transcript NM_000760.4 (MANE Select); 89 bases into the intron before coding-DNA position 2041, C replaced by T.
Molecular consequence: intron variant.
Genome position (GRCh38, 1-based): chr1:36,466,916, G>A on the plus strand (C>T on the coding strand, the complement: CSF3R is on the minus strand). VCF-style: chr1-36466916-G-A. GRCh37 (hg19) VCF-style: chr1-36932517-G-A.
Other names: c.2041-8C>T (NM_156039.3); c.2041-89C>T (NM_172313.3).
Identifiers: ClinVar variation 3040874 (VCV003040874.3), dbSNP rs370189850, ClinGen allele CA768982.

ClinVar aggregate classification (germline): Likely benign. Review status: criteria provided, single submitter (1 of 4 stars). 2 submissions from 2 submitters: Likely benign (1). 1 of the submissions does not count toward it. Last evaluated 2024-09-20.

Conditions:
CSF3R-related disorder. Also called: CSF3R-related condition.

Allele frequency attached by ClinVar (database versions not stated): ESP Exome Variant Server 0.00046; gnomAD exomes 0.00047; ExAC 0.00049.
gnomAD v4.1: 722 of 1,613,486 alleles (0.045%); highest among the groups gnomAD compares: Non-Finnish European, 0.057%; no homozygotes.

Submissions (2):

Blueprint Genetics
Classification: Likely benign. Last evaluated: 2024-09-20. Review status: criteria provided, single submitter. Criteria: ACMG Guidelines, 2015. Collection method: clinical testing. Allele origin: germline.

PreventionGenetics, part of Exact Sciences
Classification: Likely benign for CSF3R-related condition. Last evaluated: 2019-04-09. Review status: no assertion criteria provided. Collection method: clinical testing. Allele origin: germline. Not counted in ClinVar's aggregate classification.
Comment: This variant is classified as likely benign based on ACMG/AMP sequence variant interpretation guidelines (Richards et al. 2015 PMID: 25741868, with internal and published modifications).